The following is an entry in ClinVar:

ClinVar aggregate classification (germline): Benign/Likely benign. Review status: criteria provided, multiple submitters, no conflicts (2 of 4 stars). 2 submissions from 2 submitters: Benign (1); Likely benign (1). Last evaluated 2026-01-05.

Conditions:
Hereditary hemorrhagic telangiectasia (HHT). Also called: ORW DISEASE; Osler Weber Rendu syndrome; OSLER-RENDU-WEBER DISEASE; Osler hemorrhagic telangiectasia syndrome. Identifiers: Orphanet 774, MedGen C0039445, MONDO:0019180. Disease mechanism: loss of function.

Allele frequency attached by ClinVar (database versions not stated): TOPMed 0.00014; gnomAD 0.00020 and 0.00029; gnomAD exomes 0.00038; 1000 Genomes Project 0.00060; 1000 Genomes Project 30x 0.00078.
gnomAD v4.1: 555 of 1,505,208 alleles (0.037%); highest among the groups gnomAD compares: South Asian, 0.28%; 3 homozygotes.

Submissions (2):

Labcorp Genetics (formerly Invitae), Labcorp
Classification: Likely benign for Hereditary hemorrhagic telangiectasia. Last evaluated: 2026-01-05. Review status: criteria provided, single submitter. Criteria: Invitae Variant Classification Sherloc (09022015). Collection method: clinical testing. Allele origin: germline.

CeGaT Center for Human Genetics Tuebingen
Classification: Benign. Last evaluated: 2022-05-01. Review status: criteria provided, single submitter. Criteria: CeGaT Center For Human Genetics Tuebingen Variant Classification Criteria Version 2. Collection method: clinical testing. Allele origin: germline. Affected: yes. Observed: 1 variant allele.
Comment: ENG: BS1, BS2

NM_001114753.3(ENG):c.-70C>T

Gene: ENG (endoglin; minus strand). Cytogenetic location: 9q34.11.
Variant type: single nucleotide variant.
Coding change: c.-70C>T on transcript NM_001114753.3 (MANE Select); 70 bases upstream of the start codon, C replaced by T.
Molecular consequence: 5 prime UTR variant.
Genome position (GRCh38, 1-based): chr9:127,854,425, G>A on the plus strand (C>T on the coding strand, the complement: ENG is on the minus strand). VCF-style: chr9-127854425-G-A. GRCh37 (hg19) VCF-style: chr9-130616704-G-A.
Other names: c.-70C>T (NM_000118.4, NM_001406715.1).
Identifiers: ClinVar variation 1655299 (VCV001655299.40), dbSNP rs562538400, ClinGen allele CA200326786.